The following is an entry in ClinVar:

ClinVar aggregate classification (germline): Likely pathogenic (1 of 4 stars; one submission).

Conditions:
TP63-Related Spectrum Disorders.

Submission:

Labcorp Genetics (formerly Invitae), Labcorp
Classification: Likely pathogenic. Last evaluated: 2022-11-29. Review status: criteria provided, single submitter. Criteria: Invitae Variant Classification Sherloc (09022015). Collection method: clinical testing. Allele origin: germline.
Comment: Advanced modeling of protein sequence and biophysical properties (such as structural, functional, and spatial information, amino acid conservation, physicochemical variation, residue mobility, and thermodynamic stability) performed at Invitae indicates that this missense variant is expected to disrupt TP63 protein function. ClinVar contains an entry for this variant (Variation ID: 1493391). In summary, the currently available evidence indicates that the variant is pathogenic, but additional data are needed to prove that conclusively. Therefore, this variant has been classified as Likely Pathogenic. This variant disrupts the p.Ser310 amino acid residue in TP63. Other variant(s) that disrupt this residue have been determined to be pathogenic (PMID: 20410354). This suggests that this residue is clinically significant, and that variants that disrupt this residue are likely to be disease-causing. This missense change has been observed in individual(s) with clinical features of TP63-related conditions (Invitae). This variant is not present in population databases (gnomAD no frequency). This sequence change replaces serine, which is neutral and polar, with asparagine, which is neutral and polar, at codon 310 of the TP63 protein (p.Ser310Asn).

Literature cited by the submitters: PubMed 20410354.

NM_003722.5(TP63):c.929G>A (p.Ser310Asn)

Gene: TP63 (tumor protein p63; plus strand). Cytogenetic location: 3q28.
Variant type: single nucleotide variant.
Coding change: c.929G>A on transcript NM_003722.5 (MANE Select); coding-DNA position 929, G replaced by A.
Protein change: p.Ser310Asn; replaces serine 310 with asparagine.
Molecular consequence: missense variant.
Genome position (GRCh38, 1-based): chr3:189,867,879, G>A. VCF-style: chr3-189867879-G-A. GRCh37 (hg19) VCF-style: chr3-189585668-G-A.
Other names: c.929G>A, p.Ser310Asn (NM_001114978.2, NM_001114979.2, NM_001329144.2 and 1 more transcripts); c.647G>A, p.Ser216Asn (NM_001114980.2, NM_001114981.2, NM_001114982.2 and 2 more transcripts); c.392G>A, p.Ser131Asn (NM_001329146.2, NM_001329150.2); c.923G>A, p.Ser308Asn (NM_001329964.2); short protein forms S131N, S216N, S310N, S308N.
Identifiers: ClinVar variation 1493391 (VCV001493391.7), dbSNP rs2108804396, ClinGen allele CA355754940.
Genomic context (GRCh38, chr3:189,867,879, plus strand): 5'-CCCCTTGTTTTCAGGTTGGCACTGAATTCACGACAGTCTTGTACAATTTCATGTGTAACA[G>A]CAGTTGTGTTGGAGGGATGAACCGCCGTCCAATTTTAATCATTGTTACTCTGGAAACCAG-3'
Protein context (NP_003713.3, residues 300-320): TTVLYNFMCN[Ser310Asn]SCVGGMNRRP